The following is an entry in ClinVar:

NM_001252024.2(TRPM1):c.3601G>A (p.Asp1201Asn)

Genes: TRPM1 (transient receptor potential cation channel subfamily M member 1; minus strand), LOC126862088 (BRD4-independent group 4 enhancer GRCh37_chr15:31318084-31319283; plus strand). Cytogenetic location: 15q13.3.
Variant type: single nucleotide variant.
Coding change: c.3601G>A on transcript NM_001252024.2 (MANE Select); coding-DNA position 3601, G replaced by A.
Protein change: p.Asp1201Asn; replaces aspartic acid 1201 with asparagine.
Molecular consequence: missense variant.
Genome position (GRCh38, 1-based): chr15:31,026,167, C>T on the plus strand (G>A on the coding strand, the complement: TRPM1 is on the minus strand). VCF-style: chr15-31026167-C-T. GRCh37 (hg19) VCF-style: chr15-31318370-C-T.
Other names: c.3652G>A, p.Asp1218Asn (NM_001252020.2); c.3535G>A, p.Asp1179Asn (NM_002420.6); short protein forms D1218N, D1179N, D1201N.
Identifiers: ClinVar variation 2076635 (VCV002076635.4), dbSNP rs753652733, ClinGen allele CA7451833.

ClinVar aggregate classification (germline): Uncertain significance (1 of 4 stars; one submission).

Allele frequency attached by ClinVar (database versions not stated): ExAC 0.00001.
gnomAD v4.1: 3 of 1,612,170 alleles (0.00019%); highest among the groups gnomAD compares: South Asian, 0.0033%; no homozygotes.

Submission:

Labcorp Genetics (formerly Invitae), Labcorp
Classification: Uncertain significance. Last evaluated: 2022-03-17. Review status: criteria provided, single submitter. Criteria: Invitae Variant Classification Sherloc (09022015). Collection method: clinical testing. Allele origin: germline.
Comment: This sequence change replaces aspartic acid, which is acidic and polar, with asparagine, which is neutral and polar, at codon 1179 of the TRPM1 protein (p.Asp1179Asn). This variant is present in population databases (rs753652733, gnomAD 0.006%). This variant has not been reported in the literature in individuals affected with TRPM1-related conditions. Algorithms developed to predict the effect of missense changes on protein structure and function (SIFT, PolyPhen-2, Align-GVGD) all suggest that this variant is likely to be tolerated. In summary, the available evidence is currently insufficient to determine the role of this variant in disease. Therefore, it has been classified as a Variant of Uncertain Significance.